The following is an entry in ClinVar:

NM_198271.5(LMOD3):c.392A>G (p.Lys131Arg)

Gene: LMOD3 (leiomodin 3; minus strand). Cytogenetic location: 3p14.1.
Variant type: single nucleotide variant.
Coding change: c.392A>G on transcript NM_198271.5 (MANE Select); coding-DNA position 392, A replaced by G.
Protein change: p.Lys131Arg; replaces lysine 131 with arginine.
Molecular consequence: missense variant.
Genome position (GRCh38, 1-based): chr3:69,119,963, T>C on the plus strand (A>G on the coding strand, the complement: LMOD3 is on the minus strand). VCF-style: chr3-69119963-T-C. GRCh37 (hg19) VCF-style: chr3-69169114-T-C.
Other names: c.392A>G, p.Lys131Arg (NM_001304418.3); short protein forms K131R.
Identifiers: ClinVar variation 1512027 (VCV001512027.6), dbSNP rs779719094, ClinGen allele CA2488993.
Genomic context (GRCh38, chr3:69,119,963, plus strand): 5'-TCTTCTTCTTCATCTTCTTCATCTGTTTCTTGGATATTGCTGCTGCCCTTTGATTCTCTT[T>C]TATTTGCAACTATTTCATTATTGAGCTTTTCTTTTAAATACTGGGCCATATTTTTATTAC-3'
Protein context (NP_938012.2, residues 121-141): EKLNNEIVAN[Lys131Arg]RESKGSSNIQ

ClinVar aggregate classification (germline): Uncertain significance (1 of 4 stars; one submission).

Conditions:
Nemaline myopathy 10 (NEM10). Identifiers: MedGen C4015360, MONDO:0014513, OMIM 616165.

Allele frequency attached by ClinVar (database versions not stated): gnomAD exomes below 0.00001; gnomAD 0.00001; TOPMed 0.00001; ExAC 0.00003.
gnomAD v4.1: 7 of 1,585,224 alleles (0.00044%); highest among the groups gnomAD compares: Non-Finnish European, 0.0006%; no homozygotes.

Submission:

Labcorp Genetics (formerly Invitae), Labcorp
Classification: Uncertain significance for Nemaline myopathy 10. Last evaluated: 2022-06-27. Review status: criteria provided, single submitter. Criteria: Invitae Variant Classification Sherloc (09022015). Collection method: clinical testing. Allele origin: germline.
Comment: Algorithms developed to predict the effect of missense changes on protein structure and function output the following: SIFT: "Tolerated"; PolyPhen-2: "Benign"; Align-GVGD: "Class C0". The arginine amino acid residue is found in multiple mammalian species, which suggests that this missense change does not adversely affect protein function. This variant has not been reported in the literature in individuals affected with LMOD3-related conditions. This variant is present in population databases (rs779719094, gnomAD 0.001%). This sequence change replaces lysine, which is basic and polar, with arginine, which is basic and polar, at codon 131 of the LMOD3 protein (p.Lys131Arg). In summary, the available evidence is currently insufficient to determine the role of this variant in disease. Therefore, it has been classified as a Variant of Uncertain Significance.